The following is an entry in ClinVar:

NM_004360.5(CDH1):c.2243C>A (p.Thr748Asn)

Gene: CDH1 (cadherin 1; plus strand). Cytogenetic location: 16q22.1.
Variant type: single nucleotide variant.
Coding change: c.2243C>A on transcript NM_004360.5 (MANE Select); coding-DNA position 2243, C replaced by A.
Protein change: p.Thr748Asn; replaces threonine 748 with asparagine.
Molecular consequence: missense variant.
Genome position (GRCh38, 1-based): chr16:68,828,252, C>A. VCF-style: chr16-68828252-C-A. GRCh37 (hg19) VCF-style: chr16-68862155-C-A.
Other names: c.2243C>A (LRG_301t1); c.2060C>A, p.Thr687Asn (NM_001317184.2); c.695C>A, p.Thr232Asn (NM_001317185.2); c.278C>A, p.Thr93Asn (NM_001317186.2); short protein forms T748N, T687N, T93N, T232N.
Identifiers: ClinVar variation 463752 (VCV000463752.16), dbSNP rs1555517660, ClinGen allele CA396469797.

ClinVar aggregate classification (germline): Uncertain significance. Review status: criteria provided, multiple submitters, no conflicts (2 of 4 stars). 3 submissions from 3 submitters: Uncertain significance (3). Last evaluated 2023-01-27.

Conditions:
Hereditary cancer-predisposing syndrome. Also called: Hereditary neoplastic syndrome; Neoplastic Syndromes, Hereditary; Tumor predisposition; Hereditary Cancer Syndrome. Identifiers: Orphanet 140162, MedGen C0027672, MeSH D009386, MONDO:0015356.
Hereditary diffuse gastric adenocarcinoma (HDGC). Also called: DIFFUSE GASTRIC AND LOBULAR BREAST CANCER SYNDROME. Identifiers: Orphanet 26106, MedGen C1708349, MONDO:0007648, OMIM 137215.
Familial cancer of breast. Also called: BREAST CANCER, FAMILIAL; hereditary breast carcinoma; Hereditary breast cancer. Identifiers: Orphanet 227535, MedGen C0346153, MONDO:0016419, OMIM 114480. Disease mechanism: loss of function.

Submissions (3):

Baylor Genetics
Classification: Uncertain significance for Familial cancer of breast. Last evaluated: 2023-01-27. Review status: criteria provided, single submitter. Criteria: ACMG Guidelines, 2015. Collection method: clinical testing. Allele origin: unknown.

Labcorp Genetics (formerly Invitae), Labcorp
Classification: Uncertain significance for Hereditary diffuse gastric adenocarcinoma. Last evaluated: 2022-09-21. Review status: criteria provided, single submitter. Criteria: Invitae Variant Classification Sherloc (09022015). Collection method: clinical testing. Allele origin: germline.
Comment: This variant has not been reported in the literature in individuals affected with CDH1-related conditions. This sequence change replaces threonine, which is neutral and polar, with asparagine, which is neutral and polar, at codon 748 of the CDH1 protein (p.Thr748Asn). This variant is not present in population databases (gnomAD no frequency). Algorithms developed to predict the effect of missense changes on protein structure and function are either unavailable or do not agree on the potential impact of this missense change (SIFT: "Deleterious"; PolyPhen-2: "Probably Damaging"; Align-GVGD: "Class C0"). In summary, the available evidence is currently insufficient to determine the role of this variant in disease. Therefore, it has been classified as a Variant of Uncertain Significance.

Ambry Genetics
Classification: Uncertain significance for Hereditary cancer-predisposing syndrome. Last evaluated: 2016-09-13. Review status: criteria provided, single submitter. Criteria: Ambry Variant Classification Scheme 2023. Collection method: clinical testing. Allele origin: germline.
Comment: The p.T748N variant (also known as c.2243C>A), located in coding exon 14 of the CDH1 gene, results from a C to A substitution at nucleotide position 2243. The threonine at codon 748 is replaced by asparagine, an amino acid with similar properties. This variant was not reported in population based cohorts in the following databases: Database of Single Nucleotide Polymorphisms (dbSNP), NHLBI Exome Sequencing Project (ESP), and 1000 Genomes Project. In the ESP, this variant was not observed in 6498 samples (12996 alleles) with coverage at this position. To date, this alteration has been detected with an allele frequency of approximately 0.0004% (greater than 240000 alleles tested) in our clinical cohort. This amino acid position is not well conserved in available vertebrate species. In addition, this alteration is predicted to be tolerated by in silico analysis. Since supporting evidence is limited at this time, the clinical significance of this alteration remains unclear.